The following is an entry in ClinVar:

ClinVar aggregate classification (germline): Likely benign (1 of 4 stars; one submission).

Conditions:
TBC1D24-related disorder. Also called: TBC1D24-related disorders; TBC1D24-related condition. Identifiers: MedGen CN381194.

gnomAD v4.1: 2 of 1,565,156 alleles (0.00013%); highest among the groups gnomAD compares: East Asian, 0.0024%; no homozygotes.

Submission:

PreventionGenetics, part of Exact Sciences
Classification: Likely benign for TBC1D24-related condition. Last evaluated: 2026-07-08. Review status: criteria provided, single submitter. Criteria: ACMG Guidelines, 2015. Collection method: clinical testing. Allele origin: germline.
Comment: This variant is classified as likely benign based on ACMG/AMP sequence variant interpretation guidelines (Richards et al. 2015 PMID: 25741868, with internal and published modifications).

NM_001199107.2(TBC1D24):c.1518C>T (p.Leu506=)

Gene: TBC1D24 (TBC1 domain family member 24; plus strand). Cytogenetic location: 16p13.3.
Variant type: single nucleotide variant.
Coding change: c.1518C>T on transcript NM_001199107.2 (MANE Select); coding-DNA position 1518, C replaced by T.
Protein change: p.Leu506=; no amino-acid change (leucine 506 retained).
Molecular consequence: synonymous variant.
Genome position (GRCh38, 1-based): chr16:2,500,483, C>T. VCF-style: chr16-2500483-C-T. GRCh37 (hg19) VCF-style: chr16-2550484-C-T.
Other names: c.1500C>T, p.Leu500= (NM_020705.3).
Identifiers: ClinVar variation 4983549 (VCV004983549.1).